The following is an entry in ClinVar:

ClinVar aggregate classification (germline): Likely benign (1 of 4 stars; one submission).

Allele frequency attached by ClinVar (database versions not stated): gnomAD exomes 0.00049; 1000 Genomes Project 0.00399; gnomAD 0.00444; TOPMed 0.00504; 1000 Genomes Project 30x 0.00531.
gnomAD v4.1: 1,413 of 1,556,218 alleles (0.091%); highest among the groups gnomAD compares: African/African-American, 1.4%; 8 homozygotes.

Submission:

GeneDx
Classification: Likely benign. Last evaluated: 2021-11-04. Review status: criteria provided, single submitter. Criteria: GeneDx Variant Classification Process June 2021. Collection method: clinical testing. Allele origin: germline. Affected: yes.
Comment: See Variant Classification Assertion Criteria.

NM_015352.2(POFUT1):c.542+180G>A

Gene: POFUT1 (protein O-fucosyltransferase 1; plus strand). Cytogenetic location: 20q11.21.
Variant type: single nucleotide variant.
Coding change: c.542+180G>A on transcript NM_015352.2 (MANE Select); 180 bases into the intron after coding-DNA position 542, G replaced by A.
Molecular consequence: intron variant.
Genome position (GRCh38, 1-based): chr20:32,216,901, G>A. VCF-style: chr20-32216901-G-A. GRCh37 (hg19) VCF-style: chr20-30804704-G-A.
Other names: c.543-107G>A (NM_172236.2).
Identifiers: ClinVar variation 1707381 (VCV001707381.2), dbSNP rs144152194, ClinGen allele CA313882284.